The following is an entry in ClinVar:

ClinVar aggregate classification (germline): Pathogenic (1 of 4 stars; one submission).

Conditions:
Primary ciliary dyskinesia. Also called: Ciliary dyskinesia. Identifiers: Orphanet 244, MedGen C0008780, MONDO:0016575, HP:0012265.

Submission:

Labcorp Genetics (formerly Invitae), Labcorp
Classification: Pathogenic for Primary ciliary dyskinesia. Last evaluated: 2022-09-03. Review status: criteria provided, single submitter. Criteria: Invitae Variant Classification Sherloc (09022015). Collection method: clinical testing. Allele origin: germline.
Comment: This variant is a gross deletion of the genomic region encompassing exon(s) 16-18 of the DNAI1 gene. This deletion is out-of-frame, and is expected to create a premature termination codon and result in an absent or disrupted protein product. Loss-of-function variants in DNAI1 are known to be pathogenic (PMID: 16858015, 29363216). This variant has not been reported in the literature in individuals affected with DNAI1-related conditions. For these reasons, this variant has been classified as Pathogenic.

Literature cited by the submitters: PubMed 16858015; PubMed 29363216.

NC_000009.11:g.(?_34513100)_(34514747_?)del

Gene: DNAI1 (dynein axonemal intermediate chain 1; plus strand). Cytogenetic location: 9p13.3.
Variant type: Deletion.
Identifiers: ClinVar variation 1459390 (VCV001459390.12).